The following is an entry in ClinVar:

NM_005639.3(SYT1):c.911A>G (p.Asp304Gly)

Gene: SYT1 (synaptotagmin 1; plus strand). Cytogenetic location: 12q21.2.
Variant type: single nucleotide variant.
Coding change: c.911A>G on transcript NM_005639.3 (MANE Select); coding-DNA position 911, A replaced by G.
Protein change: p.Asp304Gly; replaces aspartic acid 304 with glycine.
Molecular consequence: missense variant.
Genome position (GRCh38, 1-based): chr12:79,353,602, A>G. VCF-style: chr12-79353602-A-G. GRCh37 (hg19) VCF-style: chr12-79747382-A-G.
Other names: c.911A>G, p.Asp304Gly (NM_001135805.2, NM_001135806.2); c.902A>G, p.Asp301Gly (NM_001291901.2); short protein forms D304G, D301G.
Identifiers: ClinVar variation 590279 (VCV000590279.3), dbSNP rs1565922395, ClinGen allele CA385930598.

ClinVar aggregate classification (germline): Pathogenic/Likely pathogenic. Review status: criteria provided, multiple submitters, no conflicts (2 of 4 stars). 4 submissions from 4 submitters: Pathogenic (1); Likely pathogenic (2). 1 of the submissions does not count toward it. Last evaluated 2022-09-27.

Conditions:
SYT1-related disorder. Also called: SYT1-related condition.
Infantile hypotonia-oculomotor anomalies-hyperkinetic movements-developmental delay syndrome. Also called: BAKER-GORDON SYNDROME; NEURODEVELOPMENTAL DISORDER WITH INVOLUNTARY MOVEMENT AND ABNORMAL ELECTROENCEPHALOGRAM. Identifiers: Orphanet 522077, MedGen C4748715, MONDO:0033864, OMIM 618218.
SYT1-associated neurodevelopmental disorder.

Submissions (4):

Blueprint Genetics
Classification: Likely pathogenic for SYT1-related disorders. Last evaluated: 2022-09-27. Review status: criteria provided, single submitter. Criteria: ACMG Guidelines, 2015. Collection method: clinical testing. Allele origin: germline. Affected: yes. Observed: 1 variant allele.

SIB Swiss Institute of Bioinformatics
Classification: Likely pathogenic for Infantile hypotonia-oculomotor anomalies-hyperkinetic movements-developmental delay syndrome. Last evaluated: 2019-02-18. Review status: criteria provided, single submitter. Criteria: ACMG Guidelines, 2015. Collection method: curation. Allele origin: unknown.
Comment: This variant is interpreted as a Likely pathogenic for Baker-Gordon syndrome, autosomal dominant. The following ACMG Tag(s) were applied: PM2: Absent from controls (or at extremely low frequency if recessive) in Exome Sequencing Project, 1000 Genomes Project, or Exome Aggregation Consortium. PM6: Assumed de novo, but without confirmation of paternity and maternity. PS3-Moderate: Well-established functional studies show a deleterious effect (downgraded to Moderate). PM1: Located in a mutational hot spot and/or critical and well-established functional domain (e.g., active site of an enzyme) without benign variation. PP3: Multiple lines of computational evidence support a deleterious effect on the gene or gene product.

Raymond Lab, University of Cambridge
Classification: Pathogenic for SYT1-associated neurodevelopmental disorder. Last evaluated: 2018-07-01. Review status: criteria provided, single submitter. Criteria: ACMG Guidelines, 2015. Collection method: research. Allele origin: de novo. Affected: yes. Observed: 1 variant allele.

OMIM
Classification: Pathogenic for BAKER-GORDON SYNDROME. Last evaluated: 2018-12-12. Review status: no assertion criteria provided. Collection method: literature only. Allele origin: germline. Not counted in ClinVar's aggregate classification.

Literature cited by the submitters: PubMed 30107533 (cited by 3 submitters).